The following is an entry in ClinVar:

ClinVar aggregate classification (germline): Likely benign (0 of 4 stars; one submission).

Conditions:
MNX1-related disorder. Also called: MNX1-related condition.

Allele frequency attached by ClinVar (database versions not stated): 1000 Genomes Project 30x 0.00016.
gnomAD v4.1: 1 of 1,301,286 alleles (0.000077%); highest among the groups gnomAD compares: East Asian, 0.0032%; no homozygotes.

Submission:

PreventionGenetics, part of Exact Sciences
Classification: Likely benign for MNX1-related condition. Last evaluated: 2023-01-03. Review status: no assertion criteria provided. Collection method: clinical testing. Allele origin: germline.
Comment: This variant is classified as likely benign based on ACMG/AMP sequence variant interpretation guidelines (Richards et al. 2015 PMID: 25741868, with internal and published modifications).

NM_005515.4(MNX1):c.123C>G (p.Thr41=)

Gene: MNX1 (motor neuron and pancreas homeobox 1; minus strand). Cytogenetic location: 7q36.3.
Variant type: single nucleotide variant.
Coding change: c.123C>G on transcript NM_005515.4 (MANE Select); coding-DNA position 123, C replaced by G.
Protein change: p.Thr41=; no amino-acid change (threonine 41 retained).
Molecular consequence: synonymous variant.
Genome position (GRCh38, 1-based): chr7:157,010,228, G>C on the plus strand (C>G on the coding strand, the complement: MNX1 is on the minus strand). VCF-style: chr7-157010228-G-C. GRCh37 (hg19) VCF-style: chr7-156802922-G-C.
Identifiers: ClinVar variation 3046587 (VCV003046587.2), dbSNP rs772333836, ClinGen allele CA458774682.
Genomic context (GRCh38, chr7:157,010,228, plus strand): 5'-CGCGGGGCTGCAGCTGCCGCTAGTCCCGCCGCTCGCCCCGCCGCCGCCGCCGCCACCTCC[G>C]GTGCCAGATGCGGCGGCGGCGAGCGACGTGACCAAGGCCAGCGGCGCGCTCTGCGCAGAG-3'
Protein context (NP_005506.3, residues 31-51): VTSLAAAASG[Thr41=]GGGGGGGGAS